The following is an entry in ClinVar:

NM_022772.4(EPS8L2):c.779A>G (p.Asn260Ser)

Gene: EPS8L2 (EPS8 signaling adaptor L2; plus strand). Cytogenetic location: 11p15.5.
Variant type: single nucleotide variant.
Coding change: c.779A>G on transcript NM_022772.4 (MANE Select); coding-DNA position 779, A replaced by G.
Protein change: p.Asn260Ser; replaces asparagine 260 with serine.
Molecular consequence: missense variant.
Genome position (GRCh38, 1-based): chr11:721,575, A>G. VCF-style: chr11-721575-A-G. GRCh37 (hg19) VCF-style: chr11-721575-A-G.
Other names: short protein forms N260S.
Identifiers: ClinVar variation 1028776 (VCV001028776.1), dbSNP rs940188070, ClinGen allele CA216939705.

ClinVar aggregate classification (germline): Uncertain significance (1 of 4 stars; one submission).

Conditions:
Hearing loss, autosomal recessive 106. Also called: DEAFNESS, AUTOSOMAL RECESSIVE 106. Identifiers: MedGen C4539954, MONDO:0033198, OMIM 617637.

Allele frequency attached by ClinVar (database versions not stated): gnomAD exomes below 0.00001 and 0.00001; gnomAD 0.00001; TOPMed 0.00002.
gnomAD v4.1: 18 of 1,562,556 alleles (0.0012%); highest among the groups gnomAD compares: East Asian, 0.014%; no homozygotes.

Submission:

Baylor Genetics
Classification: Uncertain significance for Hearing loss, autosomal recessive 106. Last evaluated: 2019-11-21. Review status: criteria provided, single submitter. Criteria: ACMG Guidelines, 2015. Collection method: clinical testing. Allele origin: unknown. Affected: yes.
Comment: This variant was determined to be of uncertain significance according to ACMG Guidelines, 2015 [PMID:25741868].